The following is an entry in ClinVar:

ClinVar aggregate classification (germline): Uncertain significance (1 of 4 stars; one submission).

Conditions:
Neurofibromatosis, type 1 (NF1). Also called: NEUROFIBROMATOSIS, TYPE I, SOMATIC; VON RECKLINGHAUSEN DISEASE; Peripheral type neurofibromatosis; Neurofibromatosis, type I. Identifiers: Orphanet 636, MedGen C0027831, MONDO:0018975, OMIM 162200. Disease mechanism: loss of function.

Submission:

Labcorp Genetics (formerly Invitae), Labcorp
Classification: Uncertain significance for Neurofibromatosis, type 1. Last evaluated: 2025-07-30. Review status: criteria provided, single submitter. Criteria: Invitae Variant Classification Sherloc (09022015). Collection method: clinical testing. Allele origin: germline.
Comment: This sequence change falls in intron 33 of the NF1 gene. It does not directly change the encoded amino acid sequence of the NF1 protein. This variant is not present in population databases (gnomAD no frequency). This variant has been observed in individual(s) with clinical features of neurofibromatosis type I (internal data). Algorithms developed to predict the effect of sequence changes on RNA splicing suggest that this variant may disrupt the consensus splice site. In summary, the available evidence is currently insufficient to determine the role of this variant in disease. Therefore, it has been classified as a Variant of Uncertain Significance.

NM_001042492.3(NF1):c.4578-19A>T

Gene: NF1 (neurofibromin 1; plus strand). Cytogenetic location: 17q11.2.
Variant type: single nucleotide variant.
Coding change: c.4578-19A>T on transcript NM_001042492.3 (MANE Select); 19 bases into the intron before coding-DNA position 4578, A replaced by T.
Molecular consequence: intron variant.
Genome position (GRCh38, 1-based): chr17:31,261,692, A>T. VCF-style: chr17-31261692-A-T. GRCh37 (hg19) VCF-style: chr17-29588710-A-T.
Other names: c.4515-19A>T (NM_000267.4).
Identifiers: ClinVar variation 4724386 (VCV004724386.1).